The following is an entry in ClinVar:

NM_001042492.3(NF1):c.5607A>T (p.Leu1869Phe)

Gene: NF1 (neurofibromin 1; plus strand). Cytogenetic location: 17q11.2.
Variant type: single nucleotide variant.
Coding change: c.5607A>T on transcript NM_001042492.3 (MANE Select); coding-DNA position 5607, A replaced by T.
Protein change: p.Leu1869Phe; replaces leucine 1869 with phenylalanine.
Molecular consequence: missense variant.
Genome position (GRCh38, 1-based): chr17:31,327,837, A>T. VCF-style: chr17-31327837-A-T. GRCh37 (hg19) VCF-style: chr17-29654855-A-T.
Other names: c.5544A>T, p.Leu1848Phe (NM_000267.4); short protein forms L1848F, L1869F.
Identifiers: ClinVar variation 4860957 (VCV004860957.1).
Genomic context (GRCh38, chr17:31,327,837, plus strand): 5'-TGTCCCTGGGACACTGCTCAATATCGCATTACTTAATTTAGGCAGTTCTGACCCGAGTTT[A>T]CGGTAGGTTTTTTAAAATTCTCTTCAGTTTGATTTGGGGTTTGTTGCTTTTAAAATGAGA-3'
Protein context (NP_001035957.1, residues 1859-1879): LLNLGSSDPS[Leu1869Phe]RSAAYNLLCA

ClinVar aggregate classification (germline): Uncertain significance (1 of 4 stars; one submission).

Conditions:
Cardiovascular phenotype. Identifiers: MedGen CN230736.
Hereditary cancer-predisposing syndrome. Also called: Neoplastic Syndromes, Hereditary; Tumor predisposition; Hereditary Cancer Syndrome; Hereditary neoplastic syndrome. Identifiers: Orphanet 140162, MedGen C0027672, MeSH D009386, MONDO:0015356.

Submission:

Ambry Genetics
Classification: Uncertain significance for Cardiovascular phenotype; Hereditary cancer-predisposing syndrome. Last evaluated: 2026-05-05. Review status: criteria provided, single submitter. Criteria: Ambry Variant Classification Scheme 2023. Collection method: clinical testing. Allele origin: germline.
Comment: The p.L1848F variant (also known as c.5544A>T), located in coding exon 37 of the NF1 gene, results from an A to T substitution at nucleotide position 5544. The leucine at codon 1848 is replaced by phenylalanine, an amino acid with highly similar properties. This amino acid position is highly conserved in available vertebrate species. In addition, this alteration is predicted to be deleterious by in silico analysis. Based on the available evidence, the clinical significance of this variant remains unclear.